The following is an entry in ClinVar:

NM_003467.3(CXCR4):c.109A>G (p.Asn37Asp)

Gene: CXCR4 (C-X-C motif chemokine receptor 4; minus strand). Cytogenetic location: 2q22.1.
Variant type: single nucleotide variant.
Coding change: c.109A>G on transcript NM_003467.3 (MANE Select); coding-DNA position 109, A replaced by G.
Protein change: p.Asn37Asp; replaces asparagine 37 with aspartic acid.
Molecular consequence: missense variant.
Genome position (GRCh38, 1-based): chr2:136,115,819, T>C on the plus strand (A>G on the coding strand, the complement: CXCR4 is on the minus strand). VCF-style: chr2-136115819-T-C. GRCh37 (hg19) VCF-style: chr2-136873389-T-C.
Other names: c.121A>G, p.Asn41Asp (NM_001008540.2); c.322A>G, p.Asn108Asp (NM_001348056.2); c.208A>G, p.Asn70Asp (NM_001348059.2); c.64A>G, p.Asn22Asp (NM_001348060.2); short protein forms N108D, N37D, N41D, N22D, N70D.
Identifiers: ClinVar variation 3013082 (VCV003013082.3), dbSNP rs757881953, ClinGen allele CA1890158.
Genomic context (GRCh38, chr2:136,115,819, plus strand): 5'-CATTGCCCACAATGCCAGTTAAGAAGATGATGGAGTAGATGGTGGGCAGGAAGATTTTAT[T>C]GAAATTAGCATTTTCTTCACGGAAACAGGGTTCCTTCATGGAGTCATAGTCCCCTGAGCC-3'
Protein context (NP_003458.1, residues 27-47): PCFREENANF[Asn37Asp]KIFLPTIYSI

ClinVar aggregate classification (germline): Uncertain significance (1 of 4 stars; one submission).

Conditions:
Warts, hypogammaglobulinemia, infections, and myelokathexis. Also called: WHIM syndrome. Identifiers: MedGen C0472817, MONDO:0023880.

Allele frequency attached by ClinVar (database versions not stated): gnomAD exomes below 0.00001; ExAC 0.00001.
gnomAD v4.1: 1 of 1,614,218 alleles (0.000062%); highest among the groups gnomAD compares: Admixed American, 0.0017%; no homozygotes.

Submission:

Labcorp Genetics (formerly Invitae), Labcorp
Classification: Uncertain significance for Warts, hypogammaglobulinemia, infections, and myelokathexis. Last evaluated: 2023-03-21. Review status: criteria provided, single submitter. Criteria: Invitae Variant Classification Sherloc (09022015). Collection method: clinical testing. Allele origin: germline.
Comment: An algorithm developed to predict the effect of missense changes on protein structure and function (PolyPhen-2) suggests that this variant is likely to be disruptive. This sequence change replaces asparagine, which is neutral and polar, with aspartic acid, which is acidic and polar, at codon 37 of the CXCR4 protein (p.Asn37Asp). This variant is present in population databases (rs757881953, gnomAD 0.003%). This variant has not been reported in the literature in individuals affected with CXCR4-related conditions. In summary, the available evidence is currently insufficient to determine the role of this variant in disease. Therefore, it has been classified as a Variant of Uncertain Significance.